The following is an entry in ClinVar:

NM_206933.4(USH2A):c.6992G>A (p.Gly2331Glu)

Gene: USH2A (usherin; minus strand). Cytogenetic location: 1q41.
Variant type: single nucleotide variant.
Coding change: c.6992G>A on transcript NM_206933.4 (MANE Select); coding-DNA position 6992, G replaced by A.
Protein change: p.Gly2331Glu; replaces glycine 2331 with glutamic acid.
Molecular consequence: missense variant.
Genome position (GRCh38, 1-based): chr1:215,965,445, C>T on the plus strand (G>A on the coding strand, the complement: USH2A is on the minus strand). VCF-style: chr1-215965445-C-T. GRCh37 (hg19) VCF-style: chr1-216138787-C-T.
Other names: short protein forms G2331E.
Identifiers: ClinVar variation 3007914 (VCV003007914.3), dbSNP rs754075911, ClinGen allele CA1394973.

ClinVar aggregate classification (germline): Likely pathogenic (1 of 4 stars; one submission).

Allele frequency attached by ClinVar (database versions not stated): gnomAD exomes below 0.00001; TOPMed below 0.00001; ExAC 0.00001.
gnomAD v4.1: 1 of 1,613,660 alleles (0.000062%); highest among the groups gnomAD compares: Non-Finnish European, 0.000085%; no homozygotes.

Submission:

Labcorp Genetics (formerly Invitae), Labcorp
Classification: Likely pathogenic. Last evaluated: 2023-06-05. Review status: criteria provided, single submitter. Criteria: Invitae Variant Classification Sherloc (09022015). Collection method: clinical testing. Allele origin: germline.
Comment: This sequence change replaces glycine, which is neutral and non-polar, with glutamic acid, which is acidic and polar, at codon 2331 of the USH2A protein (p.Gly2331Glu). This variant is not present in population databases (gnomAD no frequency). This missense change has been observed in individual(s) with retinitis pigmentosa (PMID: 31877679). It has also been observed to segregate with disease in related individuals. Advanced modeling of protein sequence and biophysical properties (such as structural, functional, and spatial information, amino acid conservation, physicochemical variation, residue mobility, and thermodynamic stability) performed at Invitae indicates that this missense variant is expected to disrupt USH2A protein function. In summary, the currently available evidence indicates that the variant is pathogenic, but additional data are needed to prove that conclusively. Therefore, this variant has been classified as Likely Pathogenic.

Literature cited by the submitters: PubMed 31877679.